The following is an entry in ClinVar:

NM_001162501.2(TNRC6B):c.1471T>C (p.Ser491Pro)

Gene: TNRC6B (trinucleotide repeat containing adaptor 6B; plus strand). Cytogenetic location: 22q13.1.
Variant type: single nucleotide variant.
Coding change: c.1471T>C on transcript NM_001162501.2 (MANE Select); coding-DNA position 1471, T replaced by C.
Protein change: p.Ser491Pro; replaces serine 491 with proline.
Molecular consequence: missense variant. On other transcripts: intron variant (1).
Genome position (GRCh38, 1-based): chr22:40,265,701, T>C. VCF-style: chr22-40265701-T-C. GRCh37 (hg19) VCF-style: chr22-40661705-T-C.
Other names: c.1471T>C, p.Ser491Pro (NM_015088.3); c.565+3528T>C (NM_001024843.2); short protein forms S491P.
Identifiers: ClinVar variation 2499705 (VCV002499705.1), dbSNP rs2517986467, ClinGen allele CA411629730.

ClinVar aggregate classification (germline): Uncertain significance (1 of 4 stars; one submission).

Allele frequency attached by ClinVar (database versions not stated): gnomAD exomes 0.00001.
gnomAD v4.1: 6 of 1,613,964 alleles (0.00037%); highest among the groups gnomAD compares: Non-Finnish European, 0.00051%; no homozygotes.

Submission:

GeneDx
Classification: Uncertain significance. Last evaluated: 2022-10-20. Review status: criteria provided, single submitter. Criteria: GeneDx Variant Classification Process June 2021. Collection method: clinical testing. Allele origin: germline. Affected: yes.
Comment: Not observed at significant frequency in large population cohorts (gnomAD); In silico analysis supports that this missense variant does not alter protein structure/function; Has not been previously published as pathogenic or benign to our knowledge